The following is an entry in ClinVar:

ClinVar aggregate classification (germline): Uncertain significance. Review status: criteria provided, multiple submitters, no conflicts (2 of 4 stars). 2 submissions from 2 submitters: Uncertain significance (2). Last evaluated 2024-03-26.

Allele frequency attached by ClinVar (database versions not stated): gnomAD exomes below 0.00001; ExAC 0.00001.

Submissions (2):

Women's Health and Genetics/Laboratory Corporation of America, LabCorp
Classification: Uncertain significance. Last evaluated: 2024-03-26. Review status: criteria provided, single submitter. Criteria: LabCorp Variant Classification Summary - May 2015. Collection method: clinical testing. Allele origin: germline.
Comment: Variant summary: GTPBP3 c.619G>A (p.Asp207Asn) results in a conservative amino acid change located in the MnmE, helical domain (IPR025867) of the encoded protein sequence. Four of five in-silico tools predict a damaging effect of the variant on protein function. The variant allele was found at a frequency of 4e-06 in 249424 control chromosomes. The available data on variant occurrences in the general population are insufficient to allow any conclusion about variant significance. To our knowledge, no occurrence of c.619G>A in individuals affected with Combined Oxidative Phosphorylation Defect Type 23 and no experimental evidence demonstrating its impact on protein function have been reported. ClinVar contains an entry for this variant (Variation ID: 1386812). Based on the evidence outlined above, the variant was classified as uncertain significance.

Labcorp Genetics (formerly Invitae), Labcorp
Classification: Uncertain significance. Last evaluated: 2021-05-01. Review status: criteria provided, single submitter. Criteria: Invitae Variant Classification Sherloc (09022015). Collection method: clinical testing. Allele origin: germline.
Comment: In summary, the available evidence is currently insufficient to determine the role of this variant in disease. Therefore, it has been classified as a Variant of Uncertain Significance. Algorithms developed to predict the effect of missense changes on protein structure and function are either unavailable or do not agree on the potential impact of this missense change (SIFT: "Deleterious"; PolyPhen-2: "Probably Damaging"; Align-GVGD: "Class C0"). This variant has not been reported in the literature in individuals with GTPBP3-related conditions. The frequency data for this variant in the population databases is considered unreliable, as metrics indicate poor data quality at this position in the ExAC database. This sequence change replaces aspartic acid with asparagine at codon 207 of the GTPBP3 protein (p.Asp207Asn). The aspartic acid residue is highly conserved and there is a small physicochemical difference between aspartic acid and asparagine.

NM_032620.4(GTPBP3):c.619G>A (p.Asp207Asn)

Gene: GTPBP3 (GTP binding protein 3, mitochondrial; plus strand). Cytogenetic location: 19p13.11.
Variant type: single nucleotide variant.
Coding change: c.619G>A on transcript NM_032620.4 (MANE Select); coding-DNA position 619, G replaced by A.
Protein change: p.Asp207Asn; replaces aspartic acid 207 with asparagine.
Molecular consequence: missense variant.
Genome position (GRCh38, 1-based): chr19:17,338,981, G>A. VCF-style: chr19-17338981-G-A. GRCh37 (hg19) VCF-style: chr19-17449790-G-A.
Other names: c.619G>A, p.Asp207Asn (NM_001128855.3, NM_133644.4); c.685G>A, p.Asp229Asn (NM_001195422.1); short protein forms D229N, D207N.
Identifiers: ClinVar variation 1386812 (VCV001386812.8), dbSNP rs752215746, ClinGen allele CA9293430.